The following is an entry in ClinVar:

NC_000018.9:g.(?_56383147)_(56415074_?)dup

Gene: MALT1 (MALT1 paracaspase; plus strand). Cytogenetic location: 18q21.32.
Variant type: Duplication.
Identifiers: ClinVar variation 3242783 (VCV003242783.1).

ClinVar aggregate classification (germline): Uncertain significance (1 of 4 stars; one submission).

Conditions:
Combined immunodeficiency due to MALT1 deficiency. Also called: Immunodeficiency 12. Identifiers: Orphanet 397964, MedGen C3809583, MONDO:0014197, OMIM 615468.

Submission:

Labcorp Genetics (formerly Invitae), Labcorp
Classification: Uncertain significance for Combined immunodeficiency due to MALT1 deficiency. Last evaluated: 2022-03-18. Review status: criteria provided, single submitter. Criteria: Invitae Variant Classification Sherloc (09022015). Collection method: clinical testing. Allele origin: unknown.
Comment: In summary, the available evidence is currently insufficient to determine the role of this variant in disease. Therefore, it has been classified as a Variant of Uncertain Significance. This variant has not been reported in the literature in individuals affected with MALT1-related conditions. This variant results in a copy number gain of the genomic region encompassing exon(s) 9-17 of the MALT1 gene. This region includes the termination codon of the gene. This copy number gain extends beyond the assayed region for this gene and therefore may encompass additional genes. As the precise location of this event is unknown, it may be in tandem or it may be located elsewhere in the genome.